The following is an entry in ClinVar:

ClinVar aggregate classification (germline): Uncertain significance (1 of 4 stars; one submission).

Submission:

CeGaT Center for Human Genetics Tuebingen
Classification: Uncertain significance. Last evaluated: 2023-02-01. Review status: criteria provided, single submitter. Criteria: CeGaT Center For Human Genetics Tuebingen Variant Classification Criteria Version 2. Collection method: clinical testing. Allele origin: germline. Affected: yes. Observed: 1 variant allele.
Comment: MORC2: PM2, BP4

NM_001303256.3(MORC2):c.2522+8C>T

Gene: MORC2 (MORC family CW-type zinc finger 2; minus strand). Cytogenetic location: 22q12.2.
Variant type: single nucleotide variant.
Coding change: c.2522+8C>T on transcript NM_001303256.3 (MANE Select); 8 bases into the intron after coding-DNA position 2522, C replaced by T.
Molecular consequence: intron variant.
Genome position (GRCh38, 1-based): chr22:30,932,881, G>A on the plus strand (C>T on the coding strand, the complement: MORC2 is on the minus strand). VCF-style: chr22-30932881-G-A. GRCh37 (hg19) VCF-style: chr22-31328868-G-A.
Other names: c.2522+8C>T (NM_001303257.2); c.2336+8C>T (NM_014941.3).
Identifiers: ClinVar variation 2653062 (VCV002653062.24), dbSNP rs2517570845, ClinGen allele CA2695200104.
Genomic context (GRCh38, chr22:30,932,881, plus strand): 5'-GCTGCTGGCAGGGAGGCCGGGGATACCTCCTTCGAGGAACCACTGCTCCTCCCTGATTGG[G>A]GCATTACCAGCGGTCTCTTGGTGTCGTGTCTGTGGGCACGTAGTCAAACTTCACCTTCCA-3'